The following is an entry in ClinVar:

ClinVar aggregate classification (germline): Conflicting classifications of pathogenicity. Review status: criteria provided, conflicting classifications (1 of 4 stars). 2 submissions from 2 submitters: Likely pathogenic (1); Uncertain significance (1). Last evaluated 2026-02-10.

Conditions:
Intellectual developmental disorder, X-linked 93. Also called: MENTAL RETARDATION, X-LINKED, WITH MACROCEPHALY; Intellectual disability, X-linked 93. Identifiers: MedGen C1970841, MONDO:0010393, OMIM 300659.

Submissions (2):

GeneDx
Classification: Uncertain significance. Last evaluated: 2026-02-10. Review status: criteria provided, single submitter. Criteria: GeneDx Variant Classification Process June 2021. Collection method: clinical testing. Allele origin: germline.
Comment: Not observed at significant frequency in large population cohorts (gnomAD); Initiation codon variant predicted to alter the protein; however, a downstream in-frame Methionine residue could serve as an alternate initiator codon; Has not been previously published as pathogenic or benign to our knowledge

Pittsburgh Clinical Genomics Laboratory, University of Pittsburgh Medical Center
Classification: Likely pathogenic for Intellectual developmental disorder, X-linked 93. Last evaluated: 2023-02-28. Review status: criteria provided, single submitter. Criteria: ACMG Guidelines, 2015. Collection method: clinical testing. Allele origin: germline. Inheritance: X-linked recessive inheritance. Affected: yes.
Comment: This sequence variant is a single nucleotide substitution (T>C) at coding nucleotide position 2 of the BRWD3 gene which elimites the translation start codon. As there are no alterte in-frame start codons within the first several exons of BRWD3, a complete loss of expression of BRWD3 from the variant allele is expected. This is a novel variant which has not been reported in clinical genetics databases or observed in the medical literature in individuals with BRWD3-related disease, to our knowledge. This variant is absent from the gnomAD control population dataset (0/~137200 alleles). Based on the available evidence, we consider this to variant to be likely pathogenic. ACMG Criteria: PM2, PVS1

NM_153252.5(BRWD3):c.2T>C (p.Met1Thr)

Gene: BRWD3 (bromodomain and WD repeat domain containing 3; minus strand). Cytogenetic location: Xq21.1.
Variant type: single nucleotide variant.
Coding change: c.2T>C on transcript NM_153252.5 (MANE Select); coding-DNA position 2, T replaced by C.
Protein change: p.Met1Thr; changes the start codon (methionine 1).
Molecular consequence: missense variant, initiator codon variant.
Genome position (GRCh38, 1-based): chrX:80,809,470, A>G on the plus strand (T>C on the coding strand, the complement: BRWD3 is on the minus strand). VCF-style: chrX-80809470-A-G. GRCh37 (hg19) VCF-style: chrX-80064969-A-G.
Other names: c.2T>C (NM_153252.4); short protein forms M1T.
Identifiers: ClinVar variation 3376175 (VCV003376175.2).